The following is an entry in ClinVar:

ClinVar aggregate classification (germline): Uncertain significance (1 of 4 stars; one submission).

Conditions:
Myofibrillar myopathy 4. Also called: Zaspopathy (type). Identifiers: Orphanet 98912, MedGen C4721886, MONDO:0012277, OMIM 609452.

Submission:

Labcorp Genetics (formerly Invitae), Labcorp
Classification: Uncertain significance for Myofibrillar myopathy 4. Last evaluated: 2021-05-17. Review status: criteria provided, single submitter. Criteria: Invitae Variant Classification Sherloc (09022015). Collection method: clinical testing. Allele origin: germline.
Comment: In summary, the available evidence is currently insufficient to determine the role of this variant in disease. Therefore, it has been classified as a Variant of Uncertain Significance. Algorithms developed to predict the effect of sequence changes on RNA splicing suggest that this variant may create or strengthen a splice site, but this prediction has not been confirmed by published transcriptional studies. This variant has not been reported in the literature in individuals with LDB3-related conditions. This variant is not present in population databases (ExAC no frequency). This sequence change affects codon 358 of the LDB3 mRNA. It is a 'silent' change, meaning that it does not change the encoded amino acid sequence of the LDB3 protein. The LDB3 gene has multiple clinically relevant transcripts. This variant occurs in alternate transcript NM_007078.3, and corresponds to NM_001080116.1:c.*7334C>A in the primary transcript.

NM_007078.3(LDB3):c.1074C>A (p.Ala358=)

Gene: LDB3 (LIM domain binding 3; plus strand). Cytogenetic location: 10q23.2.
Variant type: single nucleotide variant.
Coding change: c.1074C>A on transcript NM_007078.3 (MANE Select); coding-DNA position 1074, C replaced by A.
Protein change: p.Ala358=; no amino-acid change (alanine 358 retained).
Molecular consequence: synonymous variant. On other transcripts: intron variant (4).
Genome position (GRCh38, 1-based): chr10:86,706,708, C>A. VCF-style: chr10-86706708-C-A. GRCh37 (hg19) VCF-style: chr10-88466465-C-A.
Other names: c.933C>A, p.Ala311= (NM_001368066.1); c.897-3197C>A (NM_001368064.1, NM_001368065.1); c.1101-3197C>A (NM_001171610.2); c.756-3197C>A (NM_001080114.2).
Identifiers: ClinVar variation 1506782 (VCV001506782.6), dbSNP rs45459491, ClinGen allele CA2573145663.